The following is an entry in ClinVar:

NM_017635.5(KMT5B):c.1258G>A (p.Ala420Thr)

Gene: KMT5B (lysine methyltransferase 5B; minus strand). Cytogenetic location: 11q13.2.
Variant type: single nucleotide variant.
Coding change: c.1258G>A on transcript NM_017635.5 (MANE Select); coding-DNA position 1258, G replaced by A.
Protein change: p.Ala420Thr; replaces alanine 420 with threonine.
Molecular consequence: missense variant.
Genome position (GRCh38, 1-based): chr11:68,159,088, C>T on the plus strand (G>A on the coding strand, the complement: KMT5B is on the minus strand). VCF-style: chr11-68159088-C-T. GRCh37 (hg19) VCF-style: chr11-67926555-C-T.
Other names: c.742G>A, p.Ala248Thr (NM_001300907.1, NM_001369428.1, NM_001369429.1 and 4 more transcripts); c.538G>A, p.Ala180Thr (NM_001300908.2); c.1258G>A, p.Ala420Thr (NM_001369426.1); short protein forms A180T, A248T, A420T.
Identifiers: ClinVar variation 4536661 (VCV004536661.1).

ClinVar aggregate classification (germline): Uncertain significance (1 of 4 stars; one submission).

gnomAD v4.1: 31 of 1,607,250 alleles (0.0019%); highest among the groups gnomAD compares: Non-Finnish European, 0.0024%; no homozygotes.

Submission:

Women's Health and Genetics/Laboratory Corporation of America, LabCorp
Classification: Uncertain significance. Last evaluated: 2025-11-17. Review status: criteria provided, single submitter. Criteria: LabCorp Variant Classification Summary - May 2015. Collection method: clinical testing. Allele origin: germline.
Comment: Variant summary: KMT5B c.1258G>A (p.Ala420Thr) results in a non-conservative amino acid change in the encoded protein sequence. Algorithms developed to predict the effect of missense changes on protein structure and function are either unavailable or do not agree on the potential impact of this missense change. The variant allele was found at a frequency of 1.2e-05 in 242594 control chromosomes. The available data on variant occurrences in the general population are insufficient to allow any conclusion about variant significance. To our knowledge, no occurrence of c.1258G>A in individuals affected with KMT5B-related conditions and no experimental evidence demonstrating its impact on protein function have been reported. No submitters have cited clinical-significance assessments for this variant to ClinVar. Based on the evidence outlined above, the variant was classified as uncertain significance.